The following is an entry in ClinVar:

ClinVar aggregate classification (germline): Uncertain significance. Review status: criteria provided, multiple submitters, no conflicts (2 of 4 stars). 2 submissions from 2 submitters: Uncertain significance (2). Last evaluated 2022-08-16.

Conditions:
Inborn genetic diseases. Identifiers: MedGen C0950123, MeSH D030342.

Allele frequency attached by ClinVar (database versions not stated): ExAC 0.00002; ESP Exome Variant Server 0.00008.
gnomAD v4.1: 42 of 1,611,154 alleles (0.0026%); highest among the groups gnomAD compares: African/African-American, 0.045%; no homozygotes.

Submissions (2):

Labcorp Genetics (formerly Invitae), Labcorp
Classification: Uncertain significance. Last evaluated: 2022-08-16. Review status: criteria provided, single submitter. Criteria: Invitae Variant Classification Sherloc (09022015). Collection method: clinical testing. Allele origin: germline.
Comment: This sequence change replaces arginine, which is basic and polar, with glutamine, which is neutral and polar, at codon 2795 of the SPEG protein (p.Arg2795Gln). This variant is present in population databases (rs372559706, gnomAD 0.04%). This variant has not been reported in the literature in individuals affected with SPEG-related conditions. Algorithms developed to predict the effect of missense changes on protein structure and function are either unavailable or do not agree on the potential impact of this missense change (SIFT: "Deleterious"; PolyPhen-2: "Benign"; Align-GVGD: "Class C0"). In summary, the available evidence is currently insufficient to determine the role of this variant in disease. Therefore, it has been classified as a Variant of Uncertain Significance.

Ambry Genetics
Classification: Uncertain significance for Inborn genetic diseases. Last evaluated: 2022-02-10. Review status: criteria provided, single submitter. Criteria: Ambry Variant Classification Scheme 2023. Collection method: clinical testing. Allele origin: germline.

NM_005876.5(SPEG):c.8384G>A (p.Arg2795Gln)

Genes: ASIC4-AS1 (ASIC4 antisense RNA 1; minus strand), SPEG (striated muscle enriched protein kinase; plus strand). Cytogenetic location: 2q35.
Variant type: single nucleotide variant.
Coding change: c.8384G>A on transcript NM_005876.5 (MANE Select); coding-DNA position 8384, G replaced by A.
Protein change: p.Arg2795Gln; replaces arginine 2795 with glutamine.
Molecular consequence: missense variant.
Genome position (GRCh38, 1-based): chr2:219,489,402, G>A. VCF-style: chr2-219489402-G-A. GRCh37 (hg19) VCF-style: chr2-220354124-G-A.
Other names: c.8384G>A (NM_005876.4); short protein forms R2795Q.
Identifiers: ClinVar variation 2150288 (VCV002150288.2), dbSNP rs372559706, ClinGen allele CA2127480.